The following is an entry in ClinVar:

ClinVar aggregate classification (germline): Likely pathogenic (0 of 4 stars; one submission).

Conditions:
Becker muscular dystrophy (BMD). Also called: MUSCULAR DYSTROPHY, PSEUDOHYPERTROPHIC PROGRESSIVE, BECKER TYPE; Becker Muscular Dystrophy (BMD). Identifiers: Orphanet 98895, MedGen C0917713, MONDO:0010311, OMIM 300376.

Submission:

Solve-RD Consortium
Classification: Likely pathogenic for Becker muscular dystrophy. Last evaluated: 2024-06-01. Review status: no assertion criteria provided. Collection method: provider interpretation. Allele origin: germline. Affected: yes.
Comment: This CNV was confirmed by the submitting clinician to impact a gene that corresponds with the phenotype of the affected individual, and thus deemed to be causative for their condition.

Literature cited by the submitters: PubMed 39825153.

GRCh37/hg19 Xp21.1(chrX:31947661-32053731)x0

Gene: DMD (dystrophin; minus strand). Cytogenetic location: Xp21.1.
Variant type: copy number loss.
Change: copy number 0 of chrX:31,947,661-32,053,731 (106.1 kb, GRCh37 coordinates, 1-based), cytogenetic band Xp21.1.
Identifiers: ClinVar variation 3338463 (VCV003338463.1).